The following is an entry in ClinVar:

ClinVar aggregate classification (germline): Uncertain significance (1 of 4 stars; one submission).

gnomAD v4.1: 6 of 1,614,158 alleles (0.00037%); highest among the groups gnomAD compares: Non-Finnish European, 0.00042%; no homozygotes.

Submission:

Labcorp Genetics (formerly Invitae), Labcorp
Classification: Uncertain significance. Last evaluated: 2022-03-10. Review status: criteria provided, single submitter. Criteria: Invitae Variant Classification Sherloc (09022015). Collection method: clinical testing. Allele origin: germline.
Comment: This variant has not been reported in the literature in individuals affected with EPB41-related conditions. This variant is present in population databases (rs768577854, gnomAD 0.0009%). This variant occurs in a non-coding region of the EPB41 gene. It does not change the encoded amino acid sequence of the EPB41 protein. In summary, the available evidence is currently insufficient to determine the role of this variant in disease. Therefore, it has been classified as a Variant of Uncertain Significance.

NM_001376013.1(EPB41):c.113C>G (p.Ser38Cys)

Gene: EPB41 (erythrocyte membrane protein band 4.1; plus strand). Cytogenetic location: 1p35.3.
Variant type: single nucleotide variant.
Coding change: c.113C>G on transcript NM_001376013.1 (MANE Select); coding-DNA position 113, C replaced by G.
Protein change: p.Ser38Cys; replaces serine 38 with cysteine.
Molecular consequence: missense variant. On other transcripts: 5 prime UTR variant (10).
Genome position (GRCh38, 1-based): chr1:28,987,550, C>G. VCF-style: chr1-28987550-C-G. GRCh37 (hg19) VCF-style: chr1-29314062-C-G.
Other names: c.113C>G, p.Ser38Cys (NM_001166005.2, NM_001166006.2, NM_001376014.1 and 8 more transcripts); c.-515C>G (NM_001166007.2, NM_001376022.1, NM_001376023.1 and 5 more transcripts); c.-595C>G (NM_004437.4, NM_203342.3); short protein forms S38C.
Identifiers: ClinVar variation 1961095 (VCV001961095.5), dbSNP rs768577854, ClinGen allele CA724162.